The following is an entry in ClinVar:

NM_001386140.1(MTTP):c.1804G>A (p.Ala602Thr)

Gene: MTTP (microsomal triglyceride transfer protein; plus strand). Cytogenetic location: 4q23.
Variant type: single nucleotide variant.
Coding change: c.1804G>A on transcript NM_001386140.1 (MANE Select); coding-DNA position 1804, G replaced by A.
Protein change: p.Ala602Thr; replaces alanine 602 with threonine.
Molecular consequence: missense variant.
Genome position (GRCh38, 1-based): chr4:99,611,177, G>A. VCF-style: chr4-99611177-G-A. GRCh37 (hg19) VCF-style: chr4-100532334-G-A.
Other names: c.1804G>A, p.Ala602Thr (NM_000253.4); c.1555G>A, p.Ala519Thr (NM_001300785.2); short protein forms A519T, A602T.
Identifiers: ClinVar variation 2192336 (VCV002192336.1), dbSNP rs1052964561, ClinGen allele CA102642907.

ClinVar aggregate classification (germline): Uncertain significance (1 of 4 stars; one submission).

Allele frequency attached by ClinVar (database versions not stated): gnomAD exomes below 0.00001; gnomAD 0.00001.

Submission:

Labcorp Genetics (formerly Invitae), Labcorp
Classification: Uncertain significance. Last evaluated: 2022-07-19. Review status: criteria provided, single submitter. Criteria: Invitae Variant Classification Sherloc (09022015). Collection method: clinical testing. Allele origin: germline.
Comment: This sequence change replaces alanine, which is neutral and non-polar, with threonine, which is neutral and polar, at codon 602 of the MTTP protein (p.Ala602Thr). This variant is not present in population databases (gnomAD no frequency). This variant has not been reported in the literature in individuals affected with MTTP-related conditions. Algorithms developed to predict the effect of missense changes on protein structure and function output the following: SIFT: "Tolerated"; PolyPhen-2: "Benign"; Align-GVGD: "Class C0". The threonine amino acid residue is found in multiple mammalian species, which suggests that this missense change does not adversely affect protein function. In summary, the available evidence is currently insufficient to determine the role of this variant in disease. Therefore, it has been classified as a Variant of Uncertain Significance.